The following is an entry in ClinVar:

ClinVar aggregate classification (germline): Uncertain significance (1 of 4 stars; one submission).

Conditions:
Adams-Oliver syndrome 5 (AOS5). Identifiers: Orphanet 974, MedGen C4014970, MONDO:0014459, OMIM 616028.

Submission:

Labcorp Genetics (formerly Invitae), Labcorp
Classification: Uncertain significance for Adams-Oliver syndrome 5. Last evaluated: 2023-08-09. Review status: criteria provided, single submitter. Criteria: Invitae Variant Classification Sherloc (09022015). Collection method: clinical testing. Allele origin: germline.
Comment: In summary, the available evidence is currently insufficient to determine the role of this variant in disease. Therefore, it has been classified as a Variant of Uncertain Significance. Advanced modeling of protein sequence and biophysical properties (such as structural, functional, and spatial information, amino acid conservation, physicochemical variation, residue mobility, and thermodynamic stability) performed at Invitae indicates that this missense variant is not expected to disrupt NOTCH1 protein function. This variant has not been reported in the literature in individuals affected with NOTCH1-related conditions. This variant is not present in population databases (gnomAD no frequency). This sequence change replaces glutamic acid, which is acidic and polar, with glycine, which is neutral and non-polar, at codon 663 of the NOTCH1 protein (p.Glu663Gly).

NM_017617.5(NOTCH1):c.1988A>G (p.Glu663Gly)

Gene: NOTCH1 (notch receptor 1; minus strand). Cytogenetic location: 9q34.3.
Variant type: single nucleotide variant.
Coding change: c.1988A>G on transcript NM_017617.5 (MANE Select); coding-DNA position 1988, A replaced by G.
Protein change: p.Glu663Gly; replaces glutamic acid 663 with glycine.
Molecular consequence: missense variant.
Genome position (GRCh38, 1-based): chr9:136,515,316, T>C on the plus strand (A>G on the coding strand, the complement: NOTCH1 is on the minus strand). VCF-style: chr9-136515316-T-C. GRCh37 (hg19) VCF-style: chr9-139409768-T-C.
Other names: short protein forms E663G.
Identifiers: ClinVar variation 2751423 (VCV002751423.3), dbSNP rs1468283318, ClinGen allele CA375559129.
Genomic context (GRCh38, chr9:136,515,316, plus strand): 5'-AGTGCAGTCAGCCCCCACGTGCAGGGCCGCTCACCTGTGTAGCCCGGCTCACAGGCACAC[T>C]CGTAGCCATCGATCTTGTCCAGACAGGTGCCCGAGTCGCAGGGGCTGCTGGCACAGTCAT-3'
Protein context (NP_060087.3, residues 653-673): GTCLDKIDGY[Glu663Gly]CACEPGYTGS